The following is an entry in ClinVar:

NM_000350.3(ABCA4):c.1519G>T (p.Asp507Tyr)

Gene: ABCA4 (ATP binding cassette subfamily A member 4; minus strand). Cytogenetic location: 1p22.1.
Variant type: single nucleotide variant.
Coding change: c.1519G>T on transcript NM_000350.3 (MANE Select); coding-DNA position 1519, G replaced by T.
Protein change: p.Asp507Tyr; replaces aspartic acid 507 with tyrosine.
Molecular consequence: missense variant.
Genome position (GRCh38, 1-based): chr1:94,077,725, C>A on the plus strand (G>T on the coding strand, the complement: ABCA4 is on the minus strand). VCF-style: chr1-94077725-C-A. GRCh37 (hg19) VCF-style: chr1-94543281-C-A.
Other names: NM_000350.3(ABCA4):c.1519G>T; p.Asp507Tyr; c.1519G>T, p.Asp507Tyr (NM_001425324.1); short protein forms D507Y.
Identifiers: ClinVar variation 2733942 (VCV002733942.5), dbSNP rs148234178, ClinGen allele CA958508.

ClinVar aggregate classification (germline): Pathogenic. Review status: reviewed by expert panel (3 of 4 stars). 4 submissions from 4 submitters: Pathogenic (1). 3 of the submissions do not count toward it. Last evaluated 2025-12-05.

Conditions:
ABCA4-related disorder. Also called: ABCA4-related disorders; ABCA4-related condition. Identifiers: MedGen CN239167.
ABCA4-related retinopathy. Also called: ABCA4 retinoapthy; ABCA4-related retinoapthy. Identifiers: MedGen CN322612, MONDO:0800406.
Retinitis pigmentosa (RP). Identifiers: Orphanet 791, MedGen C0035334, MeSH D012174, MONDO:0019200, OMIM 268000. Inheritance: Autosomal dominant, autosomal recessive and X linked inheritance.

Allele frequency attached by ClinVar (database versions not stated): TOPMed below 0.00001; ExAC 0.00001; gnomAD 0.00001; ESP Exome Variant Server 0.00008.
gnomAD v4.1: 12 of 1,613,864 alleles (0.00074%); highest among the groups gnomAD compares: Non-Finnish European, 0.00093%; no homozygotes.

Submissions (4):

ClinGen ABCA4 Variant Curation Expert Panel, Clingen
Classification: Pathogenic for ABCA4-related retinopathy. Last evaluated: 2025-12-05. Review status: reviewed by expert panel. Criteria: ClinGen ABCA4 ACMG Specifications V1.0.0. Collection method: curation. Allele origin: germline. Inheritance: Autosomal recessive inheritance.
Comment: The NM_000350.3(ABCA4):c.1519G>T variant in ABCA4 is a missense variant predicted to cause substitution of aspartic acid by tyrosine at amino acid 507 (p.Asp507Tyr). The total minor allele frequency in gnomAD v4.1.0 is 0.000007436 (12/1613864 alleles), which is lower than the ClinGen ABCA4 VCEP’s threshold for PM2_Supporting (<0.0001). The computational predictor REVEL gives a score of 0.832 which is above the threshold of >0.772, evidence that predicts a damaging effect on ABCA4 function (PP3_Moderate). The prevalence of the variant in affected individuals is significantly increased compared with the prevalence in controls with an OR of 35.7 and the CI is 2.87-1852.51, which is above the ABCA4 VCEP threshold of ≥5, where the CI does not contain 1 (PS4; PMID: 35120629). This variant has been detected in at least 4 individuals with ABCA4-related retinopathy who were compound heterozygous for the variant and a pathogenic variant (c.6416G>C; p.Arg2139Pro, c.3208_3209insGT, c.3210_3211dup, c.4139C>T; p.Pro1380Leu) and none of those were confirmed in trans (PM3_Strong; PMIDs: 25472526, 23982839, 37705246; LOVD entry). The variant has been reported to segregate with ABCA4-related retinopathy in the proband and 1 similarly affected relative (PP1; PMID: 25472526). In summary, this variant meets the criteria to be classified as pathogenic for ABCA4-related retinopathy based on the ACMG/AMP criteria applied, as specified by the ClinGen ABCA4 VCEP (Specification Version 1): PS4, PM3_Strong, PM2_Supporting, PP1, PP3_Moderate.

Labcorp Genetics (formerly Invitae), Labcorp
Classification: Pathogenic. Last evaluated: 2025-07-06. Review status: criteria provided, single submitter. Criteria: Invitae Variant Classification Sherloc (09022015). Collection method: clinical testing. Allele origin: germline. Not counted in ClinVar's aggregate classification.
Comment: This sequence change replaces aspartic acid, which is acidic and polar, with tyrosine, which is neutral and polar, at codon 507 of the ABCA4 protein (p.Asp507Tyr). This variant is present in population databases (rs148234178, gnomAD 0.0009%). This missense change has been observed in individuals with ABCA4-related conditions (PMID: 23982839, 25472526; internal data). ClinVar contains an entry for this variant (Variation ID: 2733942). Invitae Evidence Modeling of protein sequence and biophysical properties (such as structural, functional, and spatial information, amino acid conservation, physicochemical variation, residue mobility, and thermodynamic stability) indicates that this missense variant is expected to disrupt ABCA4 protein function with a positive predictive value of 95%. For these reasons, this variant has been classified as Pathogenic.

Women's Health and Genetics/Laboratory Corporation of America, LabCorp
Classification: Pathogenic for Retinitis pigmentosa. Last evaluated: 2024-12-04. Review status: criteria provided, single submitter. Criteria: LabCorp Variant Classification Summary - May 2015. Collection method: clinical testing. Allele origin: germline. Not counted in ClinVar's aggregate classification.
Comment: Variant summary: ABCA4 c.1519G>T (p.Asp507Tyr) results in a non-conservative amino acid change in the encoded protein sequence. Five of five in-silico tools predict a damaging effect of the variant on protein function. The variant allele was found at a frequency of 4e-06 in 251144 control chromosomes (gnomAD). c.1519G>T has been reported in the literature in multiple individuals affected with ABCA4-related retinal disease, including Retinitis Pigmentosa and Stargardt disease (e.g. Fujinami_2013, Zhao_2015, Cornelis_2022, Lin_2024). These data indicate that the variant is very likely to be associated with disease. The following publications have been ascertained in the context of this evaluation (PMID: 23982839, 25472526, 35120629, 38219857). ClinVar contains an entry for this variant (Variation ID: 2733942). Based on the evidence outlined above, the variant was classified as pathogenic.

Blueprint Genetics
Classification: Likely pathogenic for ABCA4-related disorders. Last evaluated: 2024-03-27. Review status: criteria provided, single submitter. Criteria: ACMG Guidelines, 2015. Collection method: clinical testing. Allele origin: germline. Affected: yes. Observed: 5 variant alleles. Not counted in ClinVar's aggregate classification.

Literature cited by the submitters: PubMed 23982839 (cited by Labcorp Genetics (formerly Invitae), Labcorp and Women's Health and Genetics/Laboratory Corporation of America, LabCorp); PubMed 25472526 (cited by Labcorp Genetics (formerly Invitae), Labcorp and Women's Health and Genetics/Laboratory Corporation of America, LabCorp); PubMed 35120629 (cited by Women's Health and Genetics/Laboratory Corporation of America, LabCorp); PubMed 38219857 (cited by Women's Health and Genetics/Laboratory Corporation of America, LabCorp).